The following is an entry in ClinVar:

ClinVar aggregate classification (germline): Pathogenic. Review status: criteria provided, multiple submitters, no conflicts (2 of 4 stars). 4 submissions from 4 submitters: Pathogenic (3). 1 of the submissions does not count toward it. Last evaluated 2020-10-30.

Conditions:
Periodic fever-infantile enterocolitis-autoinflammatory syndrome. Also called: Autoinflammation with infantile enterocolitis. Identifiers: Orphanet 436166, MedGen C4015067, MONDO:0014472, OMIM 616050.
Familial cold autoinflammatory syndrome 4 (FCAS4). Identifiers: Orphanet 47045, Orphanet 576349, MedGen C4015276, MONDO:0014498, OMIM 616115.
Syndrome of entercolitis and autoinflmmation caused by mutation of NLRC4 (SCAN4). Identifiers: MedGen CN207522.

Submissions (4):

Labcorp Genetics (formerly Invitae), Labcorp
Classification: Pathogenic for Periodic fever-infantile enterocolitis-autoinflammatory syndrome; Familial cold autoinflammatory syndrome 4. Last evaluated: 2020-10-30. Review status: criteria provided, single submitter. Criteria: Invitae Variant Classification Sherloc (09022015). Collection method: clinical testing. Allele origin: germline.
Comment: For these reasons, this variant has been classified as Pathogenic. Experimental studies have shown that this variant affects NLRC4 protein function (PMID: 25217960, 29778503). This variant has been observed in individual(s) with autoinflammation with infantile enterocolitis (PMID: 25217960, 30864118). In at least one individual the variant was observed to be de novo. ClinVar contains an entry for this variant (Variation ID: 143224). This variant is not present in population databases (ExAC no frequency). This sequence change replaces valine with alanine at codon 341 of the NLRC4 protein (p.Val341Ala). The valine residue is highly conserved and there is a small physicochemical difference between valine and alanine.

GeneDx
Classification: Pathogenic. Last evaluated: 2015-05-11. Review status: criteria provided, single submitter. Criteria: GeneDx Variant Classification (06012015). Collection method: clinical testing. Allele origin: germline. Affected: yes.
Comment: The V341A variant in the NLRC4 gene has been reported previously in a family with enterocolitis andautoinflammation (Romberg et al., 2014). The V341A substitutionwas not observed in approximately 6500 individuals of European and African American ancestry in theNHLBI Exome Sequencing Project, indicating it is not a common benign variant in these populations. TheV341A variant is a conservative amino acid substitution and occurs at a position that is conserved acrossspecies. In silico analysis is inconsistent in its predictions as to whether or not the variant is damaging tothe protein structure/function. A missense de novo variant in a nearby residue (T337S) has been reportedin a patient with autoinflammation with recurrent macrophage activation syndrome (Canna et al., 2014),supporting the functional importance of this region of the protein. Therefore, we interpret this variant as pathogenic.

Richard Lifton Laboratory, Yale University School of Medicine
Classification: Pathogenic for Syndrome of entercolitis and autoinflmmation caused by mutation of NLRC4 (SCAN4). Last evaluated: 2014-07-18. Review status: criteria provided, single submitter. Criteria: Submitter's publication. Collection method: research. Allele origin: de novo, paternal. Affected: yes. Observed: 3 variant alleles, 3 heterozygotes.

OMIM
Classification: Pathogenic for AUTOINFLAMMATION WITH INFANTILE ENTEROCOLITIS. Last evaluated: 2014-10-01. Review status: no assertion criteria provided. Collection method: literature only. Allele origin: germline. Not counted in ClinVar's aggregate classification.

Literature cited by the submitters: PubMed 25217960 (cited by Labcorp Genetics (formerly Invitae), Labcorp and OMIM); PubMed 29778503 (cited by Labcorp Genetics (formerly Invitae), Labcorp); PubMed 30864118 (cited by Labcorp Genetics (formerly Invitae), Labcorp).

NM_001199138.2(NLRC4):c.1022T>C (p.Val341Ala)

Gene: NLRC4 (NLR family CARD domain containing 4; minus strand). Cytogenetic location: 2p22.3.
Variant type: single nucleotide variant.
Coding change: c.1022T>C on transcript NM_001199138.2 (MANE Select); coding-DNA position 1022, T replaced by C.
Protein change: p.Val341Ala; replaces valine 341 with alanine.
Molecular consequence: missense variant. On other transcripts: intron variant (1).
Genome position (GRCh38, 1-based): chr2:32,250,842, A>G on the plus strand (T>C on the coding strand, the complement: NLRC4 is on the minus strand). VCF-style: chr2-32250842-A-G. GRCh37 (hg19) VCF-style: chr2-32475911-A-G.
Other names: c.1022T>C, p.Val341Ala (NM_001199139.2, NM_021209.5); c.262+1577T>C (NM_001302504.1); short protein forms V341A.
Identifiers: ClinVar variation 143224 (VCV000143224.9), dbSNP rs587781260, ClinGen allele CA170101.